The following is an entry in ClinVar:

NM_001170629.2(CHD8):c.4346T>A (p.Val1449Glu)

Gene: CHD8 (chromodomain helicase DNA binding protein 8; minus strand). Cytogenetic location: 14q11.2.
Variant type: single nucleotide variant.
Coding change: c.4346T>A on transcript NM_001170629.2 (MANE Select); coding-DNA position 4346, T replaced by A.
Protein change: p.Val1449Glu; replaces valine 1449 with glutamic acid.
Molecular consequence: missense variant.
Genome position (GRCh38, 1-based): chr14:21,400,899, A>T on the plus strand (T>A on the coding strand, the complement: CHD8 is on the minus strand). VCF-style: chr14-21400899-A-T. GRCh37 (hg19) VCF-style: chr14-21869058-A-T.
Other names: c.3509T>A, p.Val1170Glu (NM_020920.4); short protein forms V1170E, V1449E.
Identifiers: ClinVar variation 4851472 (VCV004851472.1).

ClinVar aggregate classification (germline): Likely pathogenic (1 of 4 stars; one submission).

Conditions:
Paediatric disorders.

Submission:

North West Genomic Laboratory Hub, Manchester University NHS Foundation Trust
Classification: Likely pathogenic for Paediatric disorders. Last evaluated: 2026-05-04. Review status: criteria provided, single submitter. Criteria: ACGS Best Practice Guidelines for Variant Classification in Rare Disease 2024. Collection method: clinical testing. Allele origin: germline. Affected: yes.
Comment: PP3_Supp PM2_Mod PP2_Supp PP4_Str